The following is an entry in ClinVar:

ClinVar aggregate classification (germline): Conflicting classifications of pathogenicity. Review status: criteria provided, conflicting classifications (1 of 4 stars). 3 submissions from 3 submitters: Uncertain significance (2); Likely benign (1). Last evaluated 2025-08-21.

Conditions:
Primary pulmonary hypertension. Also called: Idiopathic pulmonary hypertension. Identifiers: MedGen C0152171.
Inborn genetic diseases. Identifiers: MedGen C0950123, MeSH D030342.

Allele frequency attached by ClinVar (database versions not stated): gnomAD exomes 0.00003; ExAC 0.00006; TOPMed 0.00007; gnomAD 0.00009.
gnomAD v4.1: 56 of 1,614,066 alleles (0.0035%); highest among the groups gnomAD compares: Middle Eastern, 0.016%; 1 homozygote.

Submissions (3):

Labcorp Genetics (formerly Invitae), Labcorp
Classification: Likely benign for Primary pulmonary hypertension. Last evaluated: 2025-08-21. Review status: criteria provided, single submitter. Criteria: Invitae Variant Classification Sherloc (09022015). Collection method: clinical testing. Allele origin: germline.

ARUP Laboratories, Molecular Genetics and Genomics, ARUP Laboratories
Classification: Uncertain significance. Last evaluated: 2025-03-11. Review status: criteria provided, single submitter. Criteria: ARUP Molecular Germline Variant Investigation Process 2024. Collection method: clinical testing. Allele origin: germline.
Comment: The BMPR2 c.1735A>G; p.Ile579Val variant (rs775982546), to our knowledge, is not reported in the medical literature but is reported in ClinVar (Variation ID: 2723112). This variant is found in the general population with an overall allele frequency of 0.0056% (16/282,868 alleles) in the Genome Aggregation Database (v2.1.1). Computational analyses are uncertain whether this variant is neutral or deleterious (REVEL: 0.2). Given the lack of clinical and functional data, the significance of this variant is uncertain at this time.

Ambry Genetics
Classification: Uncertain significance for Inborn genetic diseases. Last evaluated: 2024-11-20. Review status: criteria provided, single submitter. Criteria: Ambry Variant Classification Scheme 2023. Collection method: clinical testing. Allele origin: germline.
Comment: The p.I579V variant (also known as c.1735A>G), located in coding exon 12 of the BMPR2 gene, results from an A to G substitution at nucleotide position 1735. The isoleucine at codon 579 is replaced by valine, an amino acid with highly similar properties. This amino acid position is conserved. In addition, this alteration is predicted to be tolerated by in silico analysis. Based on the available evidence, the clinical significance of this variant remains unclear.

NM_001204.7(BMPR2):c.1735A>G (p.Ile579Val)

Gene: BMPR2 (bone morphogenetic protein receptor type 2; plus strand). Cytogenetic location: 2q33.2.
Variant type: single nucleotide variant.
Coding change: c.1735A>G on transcript NM_001204.7 (MANE Select); coding-DNA position 1735, A replaced by G.
Protein change: p.Ile579Val; replaces isoleucine 579 with valine.
Molecular consequence: missense variant.
Genome position (GRCh38, 1-based): chr2:202,555,400, A>G. VCF-style: chr2-202555400-A-G. GRCh37 (hg19) VCF-style: chr2-203420123-A-G.
Other names: short protein forms I579V.
Identifiers: ClinVar variation 2723112 (VCV002723112.5), dbSNP rs775982546, ClinGen allele CA2061437.